The following is an entry in ClinVar:

NM_001375808.2(LPIN2):c.1894A>G (p.Thr632Ala)

Gene: LPIN2 (lipin 2; minus strand). Cytogenetic location: 18p11.31.
Variant type: single nucleotide variant.
Coding change: c.1894A>G on transcript NM_001375808.2 (MANE Select); coding-DNA position 1894, A replaced by G.
Protein change: p.Thr632Ala; replaces threonine 632 with alanine.
Molecular consequence: missense variant.
Genome position (GRCh38, 1-based): chr18:2,925,268, T>C on the plus strand (A>G on the coding strand, the complement: LPIN2 is on the minus strand). VCF-style: chr18-2925268-T-C. GRCh37 (hg19) VCF-style: chr18-2925266-T-C.
Other names: c.1894A>G, p.Thr632Ala (NM_001375809.1, NM_014646.2); short protein forms T632A.
Identifiers: ClinVar variation 2861341 (VCV002861341.3), dbSNP rs2510246052, ClinGen allele CA401701589.

ClinVar aggregate classification (germline): Uncertain significance (1 of 4 stars; one submission).

Conditions:
Majeed syndrome (MJDS). Also called: CHRONIC RECURRENT MULTIFOCAL OSTEOMYELITIS 1, WITH CONGENITAL DYSERYTHROPOIETIC ANEMIA, WITH OR WITHOUT NEUTROPHILIC DERMATOSIS; LPIN2-Related Majeed Syndrome. Identifiers: Orphanet 77297, MedGen C1864997, MONDO:0012316, OMIM 609628.

Submission:

Labcorp Genetics (formerly Invitae), Labcorp
Classification: Uncertain significance for Majeed syndrome. Last evaluated: 2023-05-09. Review status: criteria provided, single submitter. Criteria: Invitae Variant Classification Sherloc (09022015). Collection method: clinical testing. Allele origin: germline.
Comment: This variant has not been reported in the literature in individuals affected with LPIN2-related conditions. Advanced modeling of protein sequence and biophysical properties (such as structural, functional, and spatial information, amino acid conservation, physicochemical variation, residue mobility, and thermodynamic stability) performed at Invitae indicates that this missense variant is not expected to disrupt LPIN2 protein function. In summary, the available evidence is currently insufficient to determine the role of this variant in disease. Therefore, it has been classified as a Variant of Uncertain Significance. This sequence change replaces threonine, which is neutral and polar, with alanine, which is neutral and non-polar, at codon 632 of the LPIN2 protein (p.Thr632Ala). This variant is not present in population databases (gnomAD no frequency).